The following is an entry in ClinVar:

ClinVar aggregate classification (germline): Uncertain significance (1 of 4 stars; one submission).

Conditions:
Neuropathy, hereditary sensory and autonomic, type 2A (HSAN2A). Also called: ACROOSTEOLYSIS, GIACCAI TYPE; ACROOSTEOLYSIS, NEUROGENIC; WNK1-Related HSAN2 (HSAN2A); MORVAN DISEASE; NEUROPATHY, CONGENITAL SENSORY; NEUROPATHY, HEREDITARY SENSORY RADICULAR, AUTOSOMAL RECESSIVE. Identifiers: Orphanet 970, MedGen C2752089, MONDO:0024309, OMIM 201300.
Generalized epilepsy with febrile seizures plus, type 7 (GEFSP7). Also called: GEFS+, TYPE 7. Identifiers: Orphanet 36387, MedGen C2751778, MONDO:0013470, OMIM 613863.

Submission:

Labcorp Genetics (formerly Invitae), Labcorp
Classification: Uncertain significance for Neuropathy, hereditary sensory and autonomic, type 2A; Generalized epilepsy with febrile seizures plus, type 7. Last evaluated: 2024-09-12. Review status: criteria provided, single submitter. Criteria: Invitae Variant Classification Sherloc (09022015). Collection method: clinical testing. Allele origin: germline.
Comment: This sequence change replaces leucine, which is neutral and non-polar, with valine, which is neutral and non-polar, at codon 123 of the SCN9A protein (p.Leu123Val). This variant is not present in population databases (gnomAD no frequency). This variant has not been reported in the literature in individuals affected with SCN9A-related conditions. Invitae Evidence Modeling of protein sequence and biophysical properties (such as structural, functional, and spatial information, amino acid conservation, physicochemical variation, residue mobility, and thermodynamic stability) indicates that this missense variant is not expected to disrupt SCN9A protein function with a negative predictive value of 80%. In summary, the available evidence is currently insufficient to determine the role of this variant in disease. Therefore, it has been classified as a Variant of Uncertain Significance.

NM_001365536.1(SCN9A):c.367T>G (p.Leu123Val)

Gene: SCN9A (sodium voltage-gated channel alpha subunit 9; minus strand). Cytogenetic location: 2q24.3.
Variant type: single nucleotide variant.
Coding change: c.367T>G on transcript NM_001365536.1 (MANE Select); coding-DNA position 367, T replaced by G.
Protein change: p.Leu123Val; replaces leucine 123 with valine.
Molecular consequence: missense variant.
Genome position (GRCh38, 1-based): chr2:166,306,966, A>C on the plus strand (T>G on the coding strand, the complement: SCN9A is on the minus strand). VCF-style: chr2-166306966-A-C. GRCh37 (hg19) VCF-style: chr2-167163476-A-C.
Other names: c.367T>G, p.Leu123Val (NM_002977.4); short protein forms L123V.
Identifiers: ClinVar variation 3758690 (VCV003758690.2).
Genomic context (GRCh38, chr2:166,306,966, plus strand): 5'-AAAATTACACCATAAAGTGCCACTGGATGTAATCATTTTTAAAAGGATATGAGTGTACTA[A>C]AATCTTAATAGATATTCTTCTTAGAGGACTGAAAGGAGAAAGCATATATAAAGCAGGTGT-3'
Protein context (NP_001352465.1, residues 113-133): SPLRRISIKI[Leu123Val]VHSLFSMLIM